The following is an entry in ClinVar:

NM_001378477.3(NYX):c.1263G>A (p.Pro421=)

Gene: NYX (nyctalopin; plus strand). Cytogenetic location: Xp11.4.
Variant type: single nucleotide variant.
Coding change: c.1263G>A on transcript NM_001378477.3 (MANE Select); coding-DNA position 1263, G replaced by A.
Protein change: p.Pro421=; no amino-acid change (proline 421 retained).
Molecular consequence: synonymous variant.
Genome position (GRCh38, 1-based): chrX:41,474,731, G>A. VCF-style: chrX-41474731-G-A. GRCh37 (hg19) VCF-style: chrX-41333984-G-A.
Other names: c.1263G>A, p.Pro421= (NM_022567.3).
Identifiers: ClinVar variation 742194 (VCV000742194.13), dbSNP rs768631690, ClinGen allele CA10389937.

ClinVar aggregate classification (germline): Likely benign. Review status: criteria provided, multiple submitters, no conflicts (2 of 4 stars). 3 submissions from 3 submitters: Likely benign (2). 1 of the submissions does not count toward it. Last evaluated 2024-12-24.

Conditions:
NYX-related disorder. Also called: NYX-related condition.

Allele frequency attached by ClinVar (database versions not stated): TOPMed 0.00003; gnomAD 0.00003 and 0.00004; gnomAD exomes 0.00003 and 0.00006; ExAC 0.00011.

Submissions (3):

Labcorp Genetics (formerly Invitae), Labcorp
Classification: Likely benign. Last evaluated: 2024-12-24. Review status: criteria provided, single submitter. Criteria: Invitae Variant Classification Sherloc (09022015). Collection method: clinical testing. Allele origin: germline.

Blueprint Genetics
Classification: Likely benign. Last evaluated: 2024-11-01. Review status: criteria provided, single submitter. Criteria: ACMG Guidelines, 2015. Collection method: clinical testing. Allele origin: germline.

PreventionGenetics, part of Exact Sciences
Classification: Likely benign for NYX-related condition. Last evaluated: 2019-07-24. Review status: no assertion criteria provided. Collection method: clinical testing. Allele origin: germline. Not counted in ClinVar's aggregate classification.
Comment: This variant is classified as likely benign based on ACMG/AMP sequence variant interpretation guidelines (Richards et al. 2015 PMID: 25741868, with internal and published modifications).